The following is an entry in ClinVar:

NM_000298.6(PKLR):c.585G>A (p.Gly195=)

Gene: PKLR (pyruvate kinase L/R; minus strand). Cytogenetic location: 1q22.
Variant type: single nucleotide variant.
Coding change: c.585G>A on transcript NM_000298.6 (MANE Select); coding-DNA position 585, G replaced by A.
Protein change: p.Gly195=; no amino-acid change (glycine 195 retained).
Molecular consequence: synonymous variant.
Genome position (GRCh38, 1-based): chr1:155,295,225, C>T on the plus strand (G>A on the coding strand, the complement: PKLR is on the minus strand). VCF-style: chr1-155295225-C-T. GRCh37 (hg19) VCF-style: chr1-155265016-C-T.
Other names: c.492G>A, p.Gly164= (NM_181871.4).
Identifiers: ClinVar variation 3038611 (VCV003038611.2), dbSNP rs754361540, ClinGen allele CA421020974.

ClinVar aggregate classification (germline): Likely benign (0 of 4 stars; one submission).

Conditions:
PKLR-related disorder. Also called: PKLR-related condition.

Allele frequency attached by ClinVar (database versions not stated): TOPMed below 0.00001; gnomAD 0.00001.
gnomAD v4.1: 1 of 1,613,936 alleles (0.000062%); highest among the groups gnomAD compares: East Asian, 0.0022%; no homozygotes.

Submission:

PreventionGenetics, part of Exact Sciences
Classification: Likely benign for PKLR-related condition. Last evaluated: 2019-05-23. Review status: no assertion criteria provided. Collection method: clinical testing. Allele origin: germline.
Comment: This variant is classified as likely benign based on ACMG/AMP sequence variant interpretation guidelines (Richards et al. 2015 PMID: 25741868, with internal and published modifications).